The following is an entry in ClinVar:

ClinVar aggregate classification (germline): Conflicting classifications of pathogenicity. Review status: criteria provided, conflicting classifications (1 of 4 stars). 19 submissions from 17 submitters: Uncertain significance (13); Likely benign (2). 4 of the submissions do not count toward it. Last evaluated 2026-03-16.

Conditions:
DSP-related disorder. Also called: DSP-related condition; DSP-related disorders.
Arrhythmogenic cardiomyopathy with wooly hair and keratoderma. Also called: Carvajal syndrome; Dilated cardiomyopathy with woolly hair and keratoderma; PALMOPLANTAR KERATODERMA WITH LEFT VENTRICULAR CARDIOMYOPATHY AND WOOLLY HAIR; Arrhythmogenic cardiomyopathy with woolly hair and keratoderma. Identifiers: Orphanet 65282, MedGen C1854063, MONDO:0011581, OMIM 605676.
Lethal acantholytic epidermolysis bullosa (EBLA). Identifiers: Orphanet 158687, MedGen C1864826, MONDO:0012323, OMIM 609638.
Keratosis palmoplantaris striata 2. Also called: KERATODERMA, PALMOPLANTAR, STRIATE FORM II; STRIATE PALMOPLANTAR KERATODERMA II; Keratosis palmoplantaris striata II. Identifiers: MedGen C1852127, MONDO:0013034, OMIM 612908.
Woolly hair-skin fragility syndrome (WHSF). Identifiers: Orphanet 293165, MedGen C1843292, MONDO:0957307, OMIM 620415.
Arrhythmogenic right ventricular dysplasia 8 (ARVD8). Also called: Arrhythmogenic Right Ventricular Dysplasia/Cardiomyopathy 8; ARRHYTHMOGENIC RIGHT VENTRICULAR CARDIOMYOPATHY 8; ARRHYTHMOGENIC RIGHT VENTRICULAR DYSPLASIA, FAMILIAL, 8. Identifiers: MedGen C1843896, MONDO:0011831, OMIM 607450.
Cardiomyopathy, dilated, with wooly hair, keratoderma, and tooth agenesis. Also called: Erythrokeratodermia-cardiomyopathy syndrome; Cardiomyopathy, dilated, with woolly hair, keratoderma, and tooth agenesis. Identifiers: Orphanet 476096, Orphanet 65282, MedGen C4014393, MONDO:0014355, OMIM 615821.
Cardiovascular phenotype. Identifiers: MedGen CN230736.
Cardiomyopathy (CMYO). Also called: Cardiomyopathies. Identifiers: Orphanet 167848, MedGen C0878544, MONDO:0004994, HP:0001638. Inheritance: Various modes of inheritance.

Allele frequency attached by ClinVar (database versions not stated): ExAC 0.00007; gnomAD exomes 0.00008 and 0.00033; gnomAD 0.00012 and 0.00013; TOPMed 0.00014; ESP Exome Variant Server 0.00015.
gnomAD v4.1: 488 of 1,613,404 alleles (0.03%); highest among the groups gnomAD compares: Non-Finnish European, 0.04%; no homozygotes.

Submissions 1 to 10 of 19:

Women's Health and Genetics/Laboratory Corporation of America, LabCorp
Classification: Uncertain significance. Last evaluated: 2026-03-16. Review status: criteria provided, single submitter. Criteria: LabCorp Variant Classification Summary - May 2015. Collection method: clinical testing. Allele origin: germline.
Comment: Variant summary: DSP c.3562T>C (p.Tyr1188His) results in a conservative amino acid change in the encoded protein sequence. Algorithms developed to predict the effect of missense changes on protein structure and function are either unavailable or do not agree on the potential impact of this missense change. The variant allele was found at a frequency of 7.6e-05 in 250516 control chromosomes (gnomAD). This frequency is not significantly higher than estimated for disease-causing variants in DSP, allowing no conclusion about variant significance. c.3562T>C has been observed in individuals affected with DCM or ACM and in a patient with sudden cardiac arrest who also carried other potentially pathogenic variants (Mazzarotto_2020, van Kampen_2023, Asatryan_2019). These data do not allow any conclusion about variant significance. At least one publication reports experimental evidence evaluating an impact on protein function (van Kampen_2023). The most pronounced variant effect results in significant reduction of DSP protein expression and a prolonged action potential duration. The following publications have been ascertained in the context of this evaluation (PMID: 30975432, 31983221, 36868229). ClinVar contains an entry for this variant (Variation ID: 188465). Based on the evidence outlined above, the variant was classified as uncertain significance.

Labcorp Genetics (formerly Invitae), Labcorp
Classification: Likely benign for Arrhythmogenic cardiomyopathy with wooly hair and keratoderma; Arrhythmogenic right ventricular dysplasia 8. Last evaluated: 2026-01-26. Review status: criteria provided, single submitter. Criteria: Invitae Variant Classification Sherloc (09022015). Collection method: clinical testing. Allele origin: germline.

Ambry Genetics
Classification: Uncertain significance for Cardiovascular phenotype. Last evaluated: 2025-11-19. Review status: criteria provided, single submitter. Criteria: Ambry Variant Classification Scheme 2023. Collection method: clinical testing. Allele origin: germline.
Comment: The p.Y1188H variant (also known as c.3562T>C), located in coding exon 23 of the DSP gene, results from a T to C substitution at nucleotide position 3562. The tyrosine at codon 1188 is replaced by histidine, an amino acid with similar properties. This alteration has also been reported in cardiomyopathy and sudden death cohorts; however, clinical details were limited (Walsh R et al. Genet. Med., 2017 Feb;19:192-203; Asatryan B et al. Am. J. Cardiol., 2019 06;123:2031-2038; van Lint FHM et al. Neth Heart J, 2019 Jun;27:304-309). This variant has been detected in an individual reported to have arrhythmogenic cardiomyopathy (van Kampen SJ et al. Stem Cell Reports. 2023 Mar;18(3):749-764). In vitro studies suggest this variant may impact protein function; however, additional evidence is needed to confirm these findings (van Kampen SJ et al. Stem Cell Reports. 2023 Mar;18(3):749-764). This amino acid position is not well conserved in available vertebrate species. In addition, the in silico prediction for this alteration is inconclusive. Since supporting evidence is limited at this time, the clinical significance of this alteration remains unclear.

Color Diagnostics, LLC DBA Color Health
Classification: Likely benign for Cardiomyopathy. Last evaluated: 2025-11-04. Review status: criteria provided, single submitter. Criteria: ACMG Guidelines, 2015. Collection method: clinical testing. Allele origin: germline.

PreventionGenetics, part of Exact Sciences
Classification: Uncertain significance for DSP-related condition. Last evaluated: 2025-07-08. Review status: criteria provided, single submitter. Criteria: ACMG Guidelines, 2015. Collection method: clinical testing. Allele origin: germline.
Comment: The DSP c.3562T>C variant is predicted to result in the amino acid substitution p.Tyr1188His. This variant has been reported in individuals with arrhythmogenic right ventricular cardiomyopathy, dilated cardiomyopathy, and sudden infant death (Table S1A. Walsh et al. 2017. PubMed ID: 27532257; Table S3. Mazzarotto et al. 2020. PubMed ID: 31983221; Table E3. Similuk et al. 2022. PubMed ID: 35753512; Table 1. Kotta et al. 2023. PubMed ID: 37589201; Table S9. McGurk et al. 2023. PubMed ID: 37652022). A functional study has shown that this variant causes a reduction of DSP protein expression and a prolonged action potential duration (van Kampen et al. 2023. PubMed ID: 36868229). This variant is reported in 0.014% of alleles in individuals of European (non-Finnish) descent in gnomAD. At this time, the clinical significance of this variant is uncertain due to the absence of conclusive functional and genetic evidence.

All of Us Research Program, National Institutes of Health
Classification: Uncertain significance for Arrhythmogenic cardiomyopathy with wooly hair and keratoderma. Last evaluated: 2024-09-23. Review status: criteria provided, single submitter. Criteria: ACMG Guidelines, 2015. Collection method: clinical testing. Allele origin: germline. Inheritance: Autosomal dominant inheritance. Observed: 47 variant alleles, 47 heterozygotes.
Comment: This missense variant replaces tyrosine with histidine at codon 1188 of the DSP protein. Computational prediction suggests that this variant may not impact protein structure and function (internally defined REVEL score threshold <= 0.5, PMID: 27666373). A functional study has shown that this variant causes a reduction of DSP protein expression and a prolonged action potential duration (PMID: 36868229). This variant has been reported in an individual affected with arrhythmogenic right ventricular cardiomyopathy (PMID: 36868229) and in four individuals affected with dilated cardiomyopathy (PMID: 27532257, 30975432, 31983221). This variant has also been reported in an individual who experienced sudden cardiac arrest (PMID: 34389451), an individual who experienced sudden infant death syndrome (PMID: 37589201), and in an individual with a suspected unknown cardiomyopathy (PMID: 30847666). This variant has been identified in 22/281874 chromosomes (18/128520 non-Finnish European chromosomes) in the general population by the Genome Aggregation Database (gnomAD). The available evidence is insufficient to determine the role of this variant in disease conclusively. Therefore, this variant is classified as a Variant of Uncertain Significance.

This study involves interpretation of variants in research participants for the purpose of population health screening. Participant phenotype was not available at the time of variant classification. Additional details can be found in publication PMID: 35346344, PMCID: PMC8962531

GeneDx
Classification: Uncertain significance. Last evaluated: 2024-07-09. Review status: criteria provided, single submitter. Criteria: GeneDx Variant Classification Process June 2021. Collection method: clinical testing. Allele origin: germline. Affected: yes.
Comment: In silico analysis indicates that this missense variant does not alter protein structure/function; Published functional studies suggest a damaging effect: reduced desmosomal gene expression and a prolonged APD compared to wildtype (PMID: 36868229); This variant is associated with the following publications: (PMID: 31983221, 31402444, 30975432, 30847666, 35753512, 23861362, 36868229, 27532257, 34389451, 37589201, 37652022)

Blueprint Genetics
Classification: Uncertain significance. Last evaluated: 2024-06-11. Review status: criteria provided, single submitter. Criteria: ACMG Guidelines, 2015. Collection method: clinical testing. Allele origin: germline.

CHEO Genetics Diagnostic Laboratory, Children's Hospital of Eastern Ontario
Classification: Uncertain significance for Cardiomyopathy. Last evaluated: 2022-03-24. Review status: criteria provided, single submitter. Criteria: ACMG Guidelines, 2015. Collection method: clinical testing. Allele origin: germline.

Fulgent Genetics
Classification: Uncertain significance for Arrhythmogenic cardiomyopathy with wooly hair and keratoderma; Arrhythmogenic right ventricular dysplasia 8; Lethal acantholytic epidermolysis bullosa; Keratosis palmoplantaris striata 2; Cardiomyopathy, dilated, with wooly hair, keratoderma, and tooth agenesis. Last evaluated: 2021-10-11. Review status: criteria provided, single submitter. Criteria: ACMG Guidelines, 2015. Collection method: clinical testing. Allele origin: unknown.

NM_004415.4(DSP):c.3562T>C (p.Tyr1188His)

Gene: DSP (desmoplakin; plus strand). Cytogenetic location: 6p24.3.
Variant type: single nucleotide variant.
Coding change: c.3562T>C on transcript NM_004415.4 (MANE Select); coding-DNA position 3562, T replaced by C.
Protein change: p.Tyr1188His; replaces tyrosine 1188 with histidine.
Molecular consequence: missense variant.
Genome position (GRCh38, 1-based): chr6:7,579,752, T>C. VCF-style: chr6-7579752-T-C. GRCh37 (hg19) VCF-style: chr6-7579985-T-C.
Other names: c.3562T>C, p.Tyr1188His (NM_001008844.3, NM_001319034.2); c.3562T>C (NM_004415.3); short protein forms Y1188H.
Identifiers: ClinVar variation 188465 (VCV000188465.40), dbSNP rs141508330, ClinGen allele CA005843.